The following is an entry in ClinVar:

NM_001042646.3(TRAK1):c.1123G>A (p.Ala375Thr)

Gene: TRAK1 (trafficking kinesin protein 1; plus strand). Cytogenetic location: 3p22.1.
Variant type: single nucleotide variant.
Coding change: c.1123G>A on transcript NM_001042646.3 (MANE Select); coding-DNA position 1123, G replaced by A.
Protein change: p.Ala375Thr; replaces alanine 375 with threonine.
Molecular consequence: missense variant. On other transcripts: non-coding transcript variant (1).
Genome position (GRCh38, 1-based): chr3:42,199,186, G>A. VCF-style: chr3-42199186-G-A. GRCh37 (hg19) VCF-style: chr3-42240678-G-A.
Other names: c.1123G>A, p.Ala375Thr (NM_001265608.2, NM_001349246.2, NM_001349247.2); c.901G>A, p.Ala301Thr (NM_001265609.2, NM_001265610.1, NM_001349248.1 and 1 more transcripts); c.811G>A, p.Ala271Thr (NM_001349245.1); c.949G>A, p.Ala317Thr (NM_001410741.1, NM_014965.5); short protein forms A271T, A301T, A317T, A375T.
Identifiers: ClinVar variation 3390643 (VCV003390643.1).

ClinVar aggregate classification (germline): Uncertain significance (1 of 4 stars; one submission).

Submission:

GeneDx
Classification: Uncertain significance. Last evaluated: 2024-06-10. Review status: criteria provided, single submitter. Criteria: GeneDx Variant Classification Process June 2021. Collection method: clinical testing. Allele origin: germline. Affected: yes.
Comment: Not observed at significant frequency in large population cohorts (gnomAD); In silico analysis supports that this missense variant has a deleterious effect on protein structure/function; Has not been previously published as pathogenic or benign to our knowledge